The following is an entry in ClinVar:

NM_001563.4(IMPG1):c.130A>G (p.Thr44Ala)

Gene: IMPG1 (interphotoreceptor matrix proteoglycan 1; minus strand). Cytogenetic location: 6q14.1.
Variant type: single nucleotide variant.
Coding change: c.130A>G on transcript NM_001563.4 (MANE Select); coding-DNA position 130, A replaced by G.
Protein change: p.Thr44Ala; replaces threonine 44 with alanine.
Molecular consequence: missense variant. On other transcripts: intron variant (1).
Genome position (GRCh38, 1-based): chr6:76,042,064, T>C on the plus strand (A>G on the coding strand, the complement: IMPG1 is on the minus strand). VCF-style: chr6-76042064-T-C. GRCh37 (hg19) VCF-style: chr6-76751781-T-C.
Other names: c.68-7277A>G (NM_001282368.2); c.130A>G (NM_001563.2); short protein forms T44A.
Identifiers: ClinVar variation 861604 (VCV000861604.10), dbSNP rs149728775, ClinGen allele CA3898635.

ClinVar aggregate classification (germline): Uncertain significance. Review status: criteria provided, multiple submitters, no conflicts (2 of 4 stars). 4 submissions from 4 submitters: Uncertain significance (4). Last evaluated 2026-02-10.

Conditions:
IMPG1-related disorder. Also called: IMPG1-related condition.

Allele frequency attached by ClinVar (database versions not stated): gnomAD exomes 0.00005 and 0.00014; ExAC 0.00006; gnomAD 0.00009 and 0.00011; TOPMed 0.00010; ESP Exome Variant Server 0.00038.
gnomAD v4.1: 213 of 1,611,128 alleles (0.013%); highest among the groups gnomAD compares: Non-Finnish European, 0.017%; no homozygotes.

Submissions (4):

PreventionGenetics, part of Exact Sciences
Classification: Uncertain significance for IMPG1-related condition. Last evaluated: 2026-02-10. Review status: criteria provided, single submitter. Criteria: ACMG Guidelines, 2015. Collection method: clinical testing. Allele origin: germline.
Comment: The IMPG1 c.130A>G variant is predicted to result in the amino acid substitution p.Thr44Ala. To our knowledge, this variant has not been reported in the literature. This variant is reported in 0.011% of alleles in individuals of European (Non-Finnish) descent in gnomAD. At this time, the clinical significance of this variant is uncertain due to the absence of conclusive functional and genetic evidence.

Ambry Genetics
Classification: Uncertain significance. Last evaluated: 2025-08-27. Review status: criteria provided, single submitter. Criteria: Ambry Variant Classification Scheme 2023. Collection method: clinical testing. Allele origin: germline.

Labcorp Genetics (formerly Invitae), Labcorp
Classification: Uncertain significance. Last evaluated: 2025-04-23. Review status: criteria provided, single submitter. Criteria: Invitae Variant Classification Sherloc (09022015). Collection method: clinical testing. Allele origin: germline.
Comment: This sequence change replaces threonine, which is neutral and polar, with alanine, which is neutral and non-polar, at codon 44 of the IMPG1 protein (p.Thr44Ala). This variant is present in population databases (rs149728775, gnomAD 0.01%). This variant has not been reported in the literature in individuals affected with IMPG1-related conditions. ClinVar contains an entry for this variant (Variation ID: 861604). An algorithm developed to predict the effect of missense changes on protein structure and function outputs the following: PolyPhen-2: "Benign". The alanine amino acid residue is found in multiple mammalian species, which suggests that this missense change does not adversely affect protein function. In summary, the available evidence is currently insufficient to determine the role of this variant in disease. Therefore, it has been classified as a Variant of Uncertain Significance.

Blueprint Genetics
Classification: Uncertain significance. Last evaluated: 2024-07-08. Review status: criteria provided, single submitter. Criteria: ACMG Guidelines, 2015. Collection method: clinical testing. Allele origin: germline.